The following is an entry in ClinVar:

ClinVar aggregate classification (germline): Likely benign (0 of 4 stars; one submission).

Conditions:
DCC-related disorder. Also called: DCC-related condition.

Allele frequency attached by ClinVar (database versions not stated): gnomAD exomes 0.00003; TOPMed 0.00006; gnomAD 0.00011; ExAC 0.00014; 1000 Genomes Project 30x 0.00109; 1000 Genomes Project 0.00140.
gnomAD v4.1: 57 of 1,613,872 alleles (0.0035%); highest among the groups gnomAD compares: East Asian, 0.089%; no homozygotes.

Submission:

PreventionGenetics, part of Exact Sciences
Classification: Likely benign for DCC-related condition. Last evaluated: 2023-02-15. Review status: no assertion criteria provided. Collection method: clinical testing. Allele origin: germline.
Comment: This variant is classified as likely benign based on ACMG/AMP sequence variant interpretation guidelines (Richards et al. 2015 PMID: 25741868, with internal and published modifications).

NM_005215.4(DCC):c.2318G>A (p.Arg773His)

Gene: DCC (DCC netrin 1 receptor; plus strand). Cytogenetic location: 18q21.2.
Variant type: single nucleotide variant.
Coding change: c.2318G>A on transcript NM_005215.4 (MANE Select); coding-DNA position 2318, G replaced by A.
Protein change: p.Arg773His; replaces arginine 773 with histidine.
Molecular consequence: missense variant.
Genome position (GRCh38, 1-based): chr18:53,339,866, G>A. VCF-style: chr18-53339866-G-A. GRCh37 (hg19) VCF-style: chr18-50866236-G-A.
Other names: short protein forms R773H.
Identifiers: ClinVar variation 3036265 (VCV003036265.2), dbSNP rs138144679, ClinGen allele CA8967149.